The following is an entry in ClinVar:

ClinVar aggregate classification (germline): Uncertain significance (1 of 4 stars; one submission).

Conditions:
Inborn genetic diseases. Identifiers: MedGen C0950123, MeSH D030342.

Submission:

Ambry Genetics
Classification: Uncertain significance for Inborn genetic diseases. Last evaluated: 2025-10-07. Review status: criteria provided, single submitter. Criteria: Ambry Variant Classification Scheme 2023. Collection method: clinical testing. Allele origin: germline.
Comment: The c.1628A>G (p.E543G) alteration is located in exon 12 (coding exon 7) of the MYT1L gene. This alteration results from a A to G substitution at nucleotide position 1628, causing the glutamic acid (E) at amino acid position 543 to be replaced by a glycine (G). Based on data from gnomAD, the G allele has an overall frequency of <0.001% (1/241664) total alleles studied. The highest observed frequency was 0.007% (1/15146) of African alleles. Based on insufficient or conflicting evidence, the clinical significance of this alteration remains unclear.

NM_001303052.2(MYT1L):c.1634A>G (p.Glu545Gly)

Gene: MYT1L (myelin transcription factor 1 like; minus strand). Cytogenetic location: 2p25.3.
Variant type: single nucleotide variant.
Coding change: c.1634A>G on transcript NM_001303052.2 (MANE Select); coding-DNA position 1634, A replaced by G.
Protein change: p.Glu545Gly; replaces glutamic acid 545 with glycine.
Molecular consequence: missense variant.
Genome position (GRCh38, 1-based): chr2:1,912,095, T>C on the plus strand (A>G on the coding strand, the complement: MYT1L is on the minus strand). VCF-style: chr2-1912095-T-C. GRCh37 (hg19) VCF-style: chr2-1915867-T-C.
Other names: c.1634A>G, p.Glu545Gly (NM_001329844.2, NM_001329845.1, NM_001329851.3); c.1628A>G, p.Glu543Gly (NM_001329846.3, NM_001329847.2, NM_001329848.1 and 3 more transcripts); short protein forms E543G, E545G.
Identifiers: ClinVar variation 4625705 (VCV004625705.1).
Genomic context (GRCh38, chr2:1,912,095, plus strand): 5'-CTGTTGCTGTTGACATGCCCGCGCCCCGTGCAGCCCGGAGTGGGGCACTTGAGGACACTT[T>C]CATGCATGGCAAGGACTTGACAGGGAGAGGCAAAGAGAACAGCCAGTGTTAAAACAGAGG-3'
Protein context (NP_001289981.1, residues 535-555): RVPPEILAMH[Glu545Gly]SVLKCPTPGC